The following is an entry in ClinVar:

ClinVar aggregate classification (germline): Uncertain significance. Review status: criteria provided, multiple submitters, no conflicts (2 of 4 stars). 3 submissions from 3 submitters: Uncertain significance (3). Last evaluated 2026-06-20.

Conditions:
Cardiovascular phenotype. Identifiers: MedGen CN230736.
Osteogenesis imperfecta type I (OI1). Also called: Osteogenesis imperfecta type 1; Lobstein's Disease; Lobstein disease; OI, TYPE I; OSTEOGENESIS IMPERFECTA TARDA; OSTEOGENESIS IMPERFECTA WITH BLUE SCLERAE. Identifiers: Orphanet 216796, Orphanet 666, MedGen C0023931, MONDO:0008146, OMIM 166200. Disease mechanism: loss of function.

Allele frequency attached by ClinVar (database versions not stated): gnomAD exomes below 0.00001.
gnomAD v4.1: 1 of 1,614,162 alleles (0.000062%); highest among the groups gnomAD compares: South Asian, 0.0011%; no homozygotes.

Submissions (3):

Ambry Genetics
Classification: Uncertain significance for Cardiovascular phenotype. Last evaluated: 2026-06-20. Review status: criteria provided, single submitter. Criteria: Ambry Variant Classification Scheme 2023. Collection method: clinical testing. Allele origin: germline.
Comment: The p.D116H variant (also known as c.346G>C), located in coding exon 4 of the COL1A1 gene, results from a G to C substitution at nucleotide position 346. The aspartic acid at codon 116 is replaced by histidine, an amino acid with similar properties. This amino acid position is conserved. In addition, the in silico prediction for this alteration is inconclusive. Based on the available evidence, the clinical significance of this variant remains unclear.

Labcorp Genetics (formerly Invitae), Labcorp
Classification: Uncertain significance for Osteogenesis imperfecta type I. Last evaluated: 2024-12-23. Review status: criteria provided, single submitter. Criteria: Invitae Variant Classification Sherloc (09022015). Collection method: clinical testing. Allele origin: germline.
Comment: This sequence change replaces aspartic acid, which is acidic and polar, with histidine, which is basic and polar, at codon 116 of the COL1A1 protein (p.Asp116His). This variant is not present in population databases (gnomAD no frequency). This variant has not been reported in the literature in individuals affected with COL1A1-related conditions. ClinVar contains an entry for this variant (Variation ID: 2440274). Invitae Evidence Modeling of protein sequence and biophysical properties (such as structural, functional, and spatial information, amino acid conservation, physicochemical variation, residue mobility, and thermodynamic stability) has been performed for this missense variant. However, the output from this modeling did not meet the statistical confidence thresholds required to predict the impact of this variant on COL1A1 protein function. In summary, the available evidence is currently insufficient to determine the role of this variant in disease. Therefore, it has been classified as a Variant of Uncertain Significance.

Revvity Omics, Revvity
Classification: Uncertain significance. Last evaluated: 2019-07-11. Review status: criteria provided, single submitter. Criteria: ACMG Guidelines, 2015. Collection method: clinical testing. Allele origin: germline.

NM_000088.4(COL1A1):c.346G>C (p.Asp116His)

Gene: COL1A1 (collagen type I alpha 1 chain; minus strand). Cytogenetic location: 17q21.33.
Variant type: single nucleotide variant.
Coding change: c.346G>C on transcript NM_000088.4 (MANE Select); coding-DNA position 346, G replaced by C.
Protein change: p.Asp116His; replaces aspartic acid 116 with histidine.
Molecular consequence: missense variant.
Genome position (GRCh38, 1-based): chr17:50,199,441, C>G on the plus strand (G>C on the coding strand, the complement: COL1A1 is on the minus strand). VCF-style: chr17-50199441-C-G. GRCh37 (hg19) VCF-style: chr17-48276802-C-G.
Other names: short protein forms D116H.
Identifiers: ClinVar variation 2440274 (VCV002440274.6), dbSNP rs2509255265, ClinGen allele CA400227685.